The following is an entry in ClinVar:

ClinVar aggregate classification (germline): Uncertain significance (1 of 4 stars; one submission).

Conditions:
Familial cold autoinflammatory syndrome 2 (FCAS2). Identifiers: Orphanet 247868, MedGen C2673198, MONDO:0012724, OMIM 611762.

Submission:

Labcorp Genetics (formerly Invitae), Labcorp
Classification: Uncertain significance for Familial cold autoinflammatory syndrome 2. Last evaluated: 2023-02-17. Review status: criteria provided, single submitter. Criteria: Invitae Variant Classification Sherloc (09022015). Collection method: clinical testing. Allele origin: germline.
Comment: This sequence change replaces glutamic acid, which is acidic and polar, with lysine, which is basic and polar, at codon 703 of the NLRP12 protein (p.Glu703Lys). This variant is not present in population databases (gnomAD no frequency). This variant has not been reported in the literature in individuals affected with NLRP12-related conditions. Algorithms developed to predict the effect of missense changes on protein structure and function output the following: SIFT: "Not Available"; PolyPhen-2: "Benign"; Align-GVGD: "Not Available". The lysine amino acid residue is found in multiple mammalian species, which suggests that this missense change does not adversely affect protein function. In summary, the available evidence is currently insufficient to determine the role of this variant in disease. Therefore, it has been classified as a Variant of Uncertain Significance.

NM_144687.4(NLRP12):c.2107G>A (p.Glu703Lys)

Gene: NLRP12 (NLR family pyrin domain containing 12; minus strand). Cytogenetic location: 19q13.42.
Variant type: single nucleotide variant.
Coding change: c.2107G>A on transcript NM_144687.4 (MANE Select); coding-DNA position 2107, G replaced by A.
Protein change: p.Glu703Lys; replaces glutamic acid 703 with lysine.
Molecular consequence: missense variant.
Genome position (GRCh38, 1-based): chr19:53,807,631, C>T on the plus strand (G>A on the coding strand, the complement: NLRP12 is on the minus strand). VCF-style: chr19-53807631-C-T. GRCh37 (hg19) VCF-style: chr19-54310885-C-T.
Other names: c.2110G>A, p.Glu704Lys (NM_001277126.2); c.2107G>A, p.Glu703Lys (NM_001277129.1); short protein forms E704K, E703K.
Identifiers: ClinVar variation 2838392 (VCV002838392.3), dbSNP rs2514310829, ClinGen allele CA407411397.